The following is an entry in ClinVar:

ClinVar aggregate classification (germline): Uncertain significance (1 of 4 stars; one submission).

Conditions:
Autosomal dominant Parkinson disease 8. Also called: LRRK2-Related Parkinson Disease; Parkinson disease 8; Parkinson disease 8, susceptibility to. Identifiers: Orphanet 411602, MedGen C1846862, MONDO:0011764, OMIM 607060.

gnomAD v4.1: 1 of 1,610,970 alleles (0.000062%); highest among the groups gnomAD compares: East Asian, 0.0022%; no homozygotes.

Submission:

Labcorp Genetics (formerly Invitae), Labcorp
Classification: Uncertain significance for Autosomal dominant Parkinson disease 8. Last evaluated: 2025-07-29. Review status: criteria provided, single submitter. Criteria: Invitae Variant Classification Sherloc (09022015). Collection method: clinical testing. Allele origin: germline.
Comment: This sequence change replaces arginine, which is basic and polar, with methionine, which is neutral and non-polar, at codon 960 of the LRRK2 protein (p.Arg960Met). This variant is not present in population databases (gnomAD no frequency). This variant has not been reported in the literature in individuals affected with LRRK2-related conditions. An algorithm developed to predict the effect of missense changes on protein structure and function (PolyPhen-2) suggests that this variant is likely to be tolerated. Algorithms developed to predict the effect of sequence changes on RNA splicing suggest that this variant may disrupt the consensus splice site. In summary, the available evidence is currently insufficient to determine the role of this variant in disease. Therefore, it has been classified as a Variant of Uncertain Significance.

NM_198578.4(LRRK2):c.2879G>T (p.Arg960Met)

Gene: LRRK2 (leucine rich repeat kinase 2; plus strand). Cytogenetic location: 12q12.
Variant type: single nucleotide variant.
Coding change: c.2879G>T on transcript NM_198578.4 (MANE Select); coding-DNA position 2879, G replaced by T.
Protein change: p.Arg960Met; replaces arginine 960 with methionine.
Molecular consequence: missense variant.
Genome position (GRCh38, 1-based): chr12:40,295,427, G>T. VCF-style: chr12-40295427-G-T. GRCh37 (hg19) VCF-style: chr12-40689229-G-T.
Other names: short protein forms R960M.
Identifiers: ClinVar variation 4711005 (VCV004711005.1).